The following is an entry in ClinVar:

ClinVar aggregate classification (germline): Uncertain significance (1 of 4 stars; one submission).

Conditions:
Cardiovascular phenotype. Identifiers: MedGen CN230736.

Allele frequency attached by ClinVar (database versions not stated): gnomAD exomes below 0.00001; TOPMed below 0.00001; gnomAD 0.00001.
gnomAD v4.1: 5 of 1,611,772 alleles (0.00031%); highest among the groups gnomAD compares: Non-Finnish European, 0.00042%; no homozygotes.

Submission:

Ambry Genetics
Classification: Uncertain significance for Cardiovascular phenotype. Last evaluated: 2020-03-23. Review status: criteria provided, single submitter. Criteria: Ambry Variant Classification Scheme 2023. Collection method: clinical testing. Allele origin: germline.
Comment: The p.P4515L variant (also known as c.13544C>T), located in coding exon 49 of the TTN gene, results from a C to T substitution at nucleotide position 13544. The proline at codon 4515 is replaced by leucine, an amino acid with similar properties. This amino acid position is highly conserved in available vertebrate species. In addition, this alteration is predicted to be tolerated by in silico analysis. Since supporting evidence is limited at this time, the clinical significance of this alteration remains unclear.

NM_001267550.2(TTN):c.40739C>T (p.Pro13580Leu)

Gene: TTN (titin; minus strand). Cytogenetic location: 2q31.2.
Variant type: single nucleotide variant.
Coding change: c.40739C>T on transcript NM_001267550.2 (MANE Select); coding-DNA position 40739, C replaced by T.
Protein change: p.Pro13580Leu; replaces proline 13580 with leucine.
Molecular consequence: missense variant.
Genome position (GRCh38, 1-based): chr2:178,640,095, G>A on the plus strand (C>T on the coding strand, the complement: TTN is on the minus strand). VCF-style: chr2-178640095-G-A. GRCh37 (hg19) VCF-style: chr2-179504822-G-A.
Other names: c.35816C>T, p.Pro11939Leu (NM_001256850.1); c.13544C>T, p.Pro4515Leu (NM_003319.4); c.33035C>T, p.Pro11012Leu (NM_133378.4); c.13919C>T, p.Pro4640Leu (NM_133432.3); c.14120C>T, p.Pro4707Leu (NM_133437.4); short protein forms P13580L, P4515L, P4640L, P11939L, P11012L, P4707L.
Identifiers: ClinVar variation 1770659 (VCV001770659.2), dbSNP rs1467896264, ClinGen allele CA349662793.
Genomic context (GRCh38, chr2:178,640,095, plus strand): 5'-TAAGCTTGCTCACCTGCTTCGGGCTTTGGTTTCGGTTCAGGTGCAGGGAGAGGTATTGCT[G>A]GCTTGATTTCAGGCACTGAAATAATTTAGAGTAGAGGGCAGATTATTACAGGATTTTTGA-3'
Protein context (NP_001254479.2, residues 13570-13590): PEPTKVPEIK[Pro13580Leu]AIPLPAPEPK